The following is an entry in ClinVar:

ClinVar aggregate classification (germline): Likely benign. Review status: criteria provided, single submitter (1 of 4 stars). 2 submissions from 2 submitters: Likely benign (1). 1 of the submissions does not count toward it. Last evaluated 2026-01-12.

Conditions:
DKC1-related disorder. Also called: DKC1-related condition. Identifiers: MedGen CN294808, MONDO:0100152.
Dyskeratosis congenita. Identifiers: Orphanet 1775, MedGen C0265965, MONDO:0015780.

Allele frequency attached by ClinVar (database versions not stated): gnomAD exomes 0.00001 and 0.00003; ExAC 0.00002; TOPMed 0.00004; gnomAD 0.00005.

Submissions (2):

Labcorp Genetics (formerly Invitae), Labcorp
Classification: Likely benign for Dyskeratosis congenita. Last evaluated: 2026-01-12. Review status: criteria provided, single submitter. Criteria: Invitae Variant Classification Sherloc (09022015). Collection method: clinical testing. Allele origin: germline.

PreventionGenetics, part of Exact Sciences
Classification: Likely benign for DKC1-related condition. Last evaluated: 2022-07-21. Review status: no assertion criteria provided. Collection method: clinical testing. Allele origin: germline. Not counted in ClinVar's aggregate classification.
Comment: This variant is classified as likely benign based on ACMG/AMP sequence variant interpretation guidelines (Richards et al. 2015 PMID: 25741868, with internal and published modifications).

NM_001363.5(DKC1):c.1155+8G>A

Gene: DKC1 (dyskerin pseudouridine synthase 1; plus strand). Cytogenetic location: Xq28.
Variant type: single nucleotide variant.
Coding change: c.1155+8G>A on transcript NM_001363.5 (MANE Select); 8 bases into the intron after coding-DNA position 1155, G replaced by A.
Molecular consequence: intron variant.
Genome position (GRCh38, 1-based): chrX:154,773,257, G>A. VCF-style: chrX-154773257-G-A. GRCh37 (hg19) VCF-style: chrX-154001532-G-A.
Other names: c.1155+8G>A (NM_001288747.2, NM_001142463.3).
Identifiers: ClinVar variation 701791 (VCV000701791.10), dbSNP rs781880461, ClinGen allele CA10567156.